The following is an entry in ClinVar:

NM_000274.4(OAT):c.890dup (p.Tyr299fs)

Gene: OAT (ornithine aminotransferase; minus strand). Cytogenetic location: 10q26.13.
Variant type: Duplication.
Coding change: c.890dup on transcript NM_000274.4 (MANE Select); coding-DNA position 890, one base duplicated (G; older notation c.890dupG).
Protein change: p.Tyr299fs; shifts the reading frame from tyrosine 299.
Molecular consequence: frameshift variant.
Genome position (GRCh38, 1-based): chr10:124,402,937, C duplicated on the plus strand (G on the coding strand, the reverse complement: OAT is on the minus strand); the first of 5 consecutive C bases (chr10:124,402,937-124,402,941); duplicating any one gives the same sequence. VCF-style (leftmost placement, unchanged base first): chr10-124402936-G-GC. GRCh37 (hg19) VCF-style: chr10-126091505-G-GC.
Other names: c.890dup (NM_000274.3); c.476dup, p.Tyr161fs (NM_001171814.2); c.890dup, p.Tyr299fs (NM_001322965.2, NM_001322966.2, NM_001322967.2 and 3 more transcripts); c.569dup, p.Tyr192fs (NM_001322971.2); c.290dup, p.Tyr99fs (NM_001322974.2); short protein forms Y161fs, Y192fs, Y299fs, Y99fs.
Identifiers: ClinVar variation 4818084 (VCV004818084.1).

ClinVar aggregate classification (germline): Likely pathogenic (1 of 4 stars; one submission).

Conditions:
Ornithine aminotransferase deficiency (GACR). Also called: HYPERORNITHINEMIA WITH GYRATE ATROPHY OF CHOROID AND RETINA; OAT DEFICIENCY; OKT DEFICIENCY; Ornithine ketoacid aminotransferase deficiency; Gyrate atrophy; Gyrate atrophy of choroid and retina. Identifiers: Orphanet 414, MedGen C0018425, MONDO:0009796, OMIM 258870.

Submission:

Natera, Inc.
Classification: Likely pathogenic for Gyrate atrophy. Last evaluated: 2025-11-03. Review status: criteria provided, single submitter. Criteria: Natera Variant Classification Schema (03/2026). Collection method: clinical testing. Allele origin: germline.
Comment: The c.890dup variant in OAT is a frameshift variant predicted to shift the reading frame beginning at codon 299 and leads to a stop codon 9 codons downstream. This variant is expected to result in nonsense mediated decay, truncation, or a dysfunctional protein product. This variant is rare in the general population with a frequency below the threshold expected for the associated phenotype(s). Given the available evidence, this variant is classified as Likely Pathogenic.